The following is an entry in ClinVar:

NM_025243.4(SLC19A3):c.1166T>C (p.Ile389Thr)

Gene: SLC19A3 (solute carrier family 19 member 3; minus strand). Cytogenetic location: 2q36.3.
Variant type: single nucleotide variant.
Coding change: c.1166T>C on transcript NM_025243.4 (MANE Select); coding-DNA position 1166, T replaced by C.
Protein change: p.Ile389Thr; replaces isoleucine 389 with threonine.
Molecular consequence: missense variant.
Genome position (GRCh38, 1-based): chr2:227,695,895, A>G on the plus strand (T>C on the coding strand, the complement: SLC19A3 is on the minus strand). VCF-style: chr2-227695895-A-G. GRCh37 (hg19) VCF-style: chr2-228560611-A-G.
Other names: c.1166T>C (NM_025243.3); c.1166T>C, p.Ile389Thr (NM_001371411.1, NM_001371412.1); c.1154T>C, p.Ile385Thr (NM_001371413.1, NM_001371414.1); short protein forms I385T, I389T.
Identifiers: ClinVar variation 1014119 (VCV001014119.7), dbSNP rs149282475, ClinGen allele CA2149145.

ClinVar aggregate classification (germline): Uncertain significance. Review status: criteria provided, multiple submitters, no conflicts (2 of 4 stars). 2 submissions from 2 submitters: Uncertain significance (2). Last evaluated 2026-03-17.

Conditions:
Biotin-responsive basal ganglia disease (BTBGD). Also called: Thiamine metabolism dysfunction syndrome type 2; Thiamine Transporter-2 Deficiency; THIAMINE METABOLISM DYSFUNCTION SYNDROME 2 (BIOTIN- AND THIAMINE-RESPONSIVE TYPE); Thiamine metabolism dysfunction syndrome 2 (biotin- or thiamine-responsive encephalopathy type 2); thiamine-responsive encephalopathy. Identifiers: Orphanet 199348, Orphanet 65284, MedGen C1843807, MONDO:0011841, OMIM 607483.

Allele frequency attached by ClinVar (database versions not stated): ExAC 0.00001; gnomAD exomes 0.00001 and 0.00002; TOPMed 0.00002; gnomAD 0.00003; ESP Exome Variant Server 0.00008.
gnomAD v4.1: 23 of 1,613,952 alleles (0.0014%); highest among the groups gnomAD compares: Middle Eastern, 0.017%; no homozygotes.

Submissions (2):

GeneDx
Classification: Uncertain significance. Last evaluated: 2026-03-17. Review status: criteria provided, single submitter. Criteria: GeneDx Variant Classification Process June 2021. Collection method: clinical testing. Allele origin: germline.
Comment: Not observed at significant frequency in large population cohorts (gnomAD); In silico analysis supports that this missense variant has a deleterious effect on protein structure/function; Has not been previously published as pathogenic or benign to our knowledge

Labcorp Genetics (formerly Invitae), Labcorp
Classification: Uncertain significance for Biotin-responsive basal ganglia disease. Last evaluated: 2022-08-09. Review status: criteria provided, single submitter. Criteria: Invitae Variant Classification Sherloc (09022015). Collection method: clinical testing. Allele origin: germline.
Comment: This sequence change replaces isoleucine, which is neutral and non-polar, with threonine, which is neutral and polar, at codon 389 of the SLC19A3 protein (p.Ile389Thr). This variant is present in population databases (rs149282475, gnomAD 0.004%). This variant has not been reported in the literature in individuals affected with SLC19A3-related conditions. ClinVar contains an entry for this variant (Variation ID: 1014119). Advanced modeling of protein sequence and biophysical properties (such as structural, functional, and spatial information, amino acid conservation, physicochemical variation, residue mobility, and thermodynamic stability) performed at Invitae indicates that this missense variant is expected to disrupt SLC19A3 protein function. In summary, the available evidence is currently insufficient to determine the role of this variant in disease. Therefore, it has been classified as a Variant of Uncertain Significance.